The following is an entry in ClinVar:

NM_000143.4(FH):c.490del (p.Met164fs)

Gene: FH (fumarate hydratase; minus strand). Cytogenetic location: 1q43.
Variant type: Deletion.
Coding change: c.490del on transcript NM_000143.4 (MANE Select); coding-DNA position 490, one base deleted (A; older notation c.490delA).
Protein change: p.Met164fs; shifts the reading frame from methionine 164.
Molecular consequence: frameshift variant.
Genome position (GRCh38, 1-based): chr1:241,512,032, T deleted on the plus strand (A on the coding strand, the reverse complement: FH is on the minus strand); the first of 3 consecutive T bases (chr1:241,512,032-241,512,034); deleting any one gives the same sequence. VCF-style (leftmost placement, unchanged base first): chr1-241512031-AT-A. GRCh37 (hg19) VCF-style: chr1-241675331-AT-A.
Other names: short protein forms M164fs.
Identifiers: ClinVar variation 2573279 (VCV002573279.5), dbSNP rs2527332585, ClinGen allele CA1139771874.

ClinVar aggregate classification (germline): Pathogenic/Likely pathogenic. Review status: criteria provided, multiple submitters, no conflicts (2 of 4 stars). 3 submissions from 3 submitters: Pathogenic (2); Likely pathogenic (1). Last evaluated 2023-11-01.

Conditions:
Fumarase deficiency (FMRD). Also called: Fumaric aciduria; Fumarate Hydratase Deficiency. Identifiers: Orphanet 24, MedGen C0342770, MONDO:0011730, OMIM 606812.
Hereditary leiomyomatosis and renal cell cancer. Also called: MULTIPLE CUTANEOUS AND UTERINE LEIOMYOMATA 1, WITH OR WITHOUT RENAL CELL CARCINOMA; LEIOMYOMA, MULTIPLE CUTANEOUS; Multiple cutaneous leiomyomas; Reed syndrome; Multiple cutaneous and uterine leiomyomatosis; Cutaneous leiomyomata with uterine leiomyomata. Identifiers: Orphanet 523, MedGen C1708350, MONDO:0007888, OMIM 150800, HP:0007437. Disease mechanism: loss of function.

Submissions (3):

Labcorp Genetics (formerly Invitae), Labcorp
Classification: Pathogenic. Last evaluated: 2023-11-01. Review status: criteria provided, single submitter. Criteria: Invitae Variant Classification Sherloc (09022015). Collection method: clinical testing. Allele origin: germline.
Comment: This sequence change creates a premature translational stop signal (p.Met164Cysfs*2) in the FH gene. It is expected to result in an absent or disrupted protein product. Loss-of-function variants in FH are known to be pathogenic (PMID: 11865300, 21398687). This variant is not present in population databases (gnomAD no frequency). This variant has not been reported in the literature in individuals affected with FH-related conditions. ClinVar contains an entry for this variant (Variation ID: 2573279). For these reasons, this variant has been classified as Pathogenic.

Baylor Genetics
Classification: Likely pathogenic for Fumarase deficiency. Last evaluated: 2023-02-16. Review status: criteria provided, single submitter. Criteria: ACMG Guidelines, 2015. Collection method: clinical testing. Allele origin: unknown.

Myriad Genetics, Inc.
Classification: Pathogenic for Hereditary leiomyomatosis and renal cell cancer. Last evaluated: 2023-02-16. Review status: criteria provided, single submitter. Criteria: Myriad Autosomal Dominant, Autosomal Recessive and X-Linked Classification Criteria (2023). Collection method: clinical testing. Allele origin: unknown.
Comment: This variant is considered pathogenic. This variant creates a frameshift predicted to result in premature protein truncation.

Literature cited by the submitters: PubMed 11865300 (cited by Labcorp Genetics (formerly Invitae), Labcorp); PubMed 21398687 (cited by Labcorp Genetics (formerly Invitae), Labcorp).